The following is an entry in ClinVar:

NM_000787.4(DBH):c.583G>T (p.Val195Leu)

Gene: DBH (dopamine beta-hydroxylase; plus strand). Cytogenetic location: 9q34.2.
Variant type: single nucleotide variant.
Coding change: c.583G>T on transcript NM_000787.4 (MANE Select); coding-DNA position 583, G replaced by T.
Protein change: p.Val195Leu; replaces valine 195 with leucine.
Molecular consequence: missense variant.
Genome position (GRCh38, 1-based): chr9:133,642,303, G>T. VCF-style: chr9-133642303-G-T. GRCh37 (hg19) VCF-style: chr9-136507425-G-T.
Other names: short protein forms V195L.
Identifiers: ClinVar variation 2975950 (VCV002975950.3), dbSNP rs145059403, ClinGen allele CA5313128.
Genomic context (GRCh38, chr9:133,642,303, plus strand): 5'-GAGCCGTTCCGGTCACTGGAGGCCATCAACGGCTCGGGCCTGCAGATGGGGCTGCAGAGG[G>T]TGCAGCTCCTGAAGCCCAATATCCCCGAACCGGAGTTGCCCTCAGACGCGTGCACCATGG-3'
Protein context (NP_000778.3, residues 185-205): GSGLQMGLQR[Val195Leu]QLLKPNIPEP

ClinVar aggregate classification (germline): Uncertain significance (1 of 4 stars; one submission).

Conditions:
Orthostatic hypotension 1 (ORTHYP1). Also called: Dopamine beta-hydroxylase deficiency; Orthostatic hypotension 1, due to DBH deficiency; NORADRENALINE DEFICIENCY; NOREPINEPHRINE DEFICIENCY. Identifiers: Orphanet 230, MedGen C4746777, MONDO:0009123, OMIM 223360.

gnomAD v4.1: 2 of 1,614,120 alleles (0.00012%); highest among the groups gnomAD compares: Non-Finnish European, 0.00017%; no homozygotes.

Submission:

Labcorp Genetics (formerly Invitae), Labcorp
Classification: Uncertain significance for Orthostatic hypotension 1. Last evaluated: 2023-10-03. Review status: criteria provided, single submitter. Criteria: Invitae Variant Classification Sherloc (09022015). Collection method: clinical testing. Allele origin: germline.
Comment: This sequence change replaces valine, which is neutral and non-polar, with leucine, which is neutral and non-polar, at codon 195 of the DBH protein (p.Val195Leu). This variant is present in population databases (rs145059403, gnomAD 0.007%). This variant has not been reported in the literature in individuals affected with DBH-related conditions. Advanced modeling of protein sequence and biophysical properties (such as structural, functional, and spatial information, amino acid conservation, physicochemical variation, residue mobility, and thermodynamic stability) performed at Invitae indicates that this missense variant is not expected to disrupt DBH protein function. In summary, the available evidence is currently insufficient to determine the role of this variant in disease. Therefore, it has been classified as a Variant of Uncertain Significance.